The following is an entry in ClinVar:

ClinVar aggregate classification (germline): Uncertain significance. Review status: criteria provided, multiple submitters, no conflicts (2 of 4 stars). 4 submissions from 4 submitters: Uncertain significance (4). Last evaluated 2024-12-13.

Conditions:
Inborn genetic diseases. Identifiers: MedGen C0950123, MeSH D030342.
RIN2 syndrome. Also called: TALL FOREHEAD, SPARSE HAIR, SKIN HYPEREXTENSIBILITY, AND SCOLIOSIS; MACS SYNDROME. Identifiers: Orphanet 217335, MedGen C2751321, MONDO:0013115, OMIM 613075.

Allele frequency attached by ClinVar (database versions not stated): gnomAD exomes 0.00004; TOPMed 0.00005; ExAC 0.00007; ESP Exome Variant Server 0.00017; 1000 Genomes Project 0.00020.

Submissions (4):

Ambry Genetics
Classification: Uncertain significance for Inborn genetic diseases. Last evaluated: 2024-12-13. Review status: criteria provided, single submitter. Criteria: Ambry Variant Classification Scheme 2023. Collection method: clinical testing. Allele origin: germline.

Fulgent Genetics
Classification: Uncertain significance for RIN2 syndrome. Last evaluated: 2024-02-22. Review status: criteria provided, single submitter. Criteria: ACMG Guidelines, 2015. Collection method: clinical testing. Allele origin: germline.

Labcorp Genetics (formerly Invitae), Labcorp
Classification: Uncertain significance. Last evaluated: 2022-05-15. Review status: criteria provided, single submitter. Criteria: Invitae Variant Classification Sherloc (09022015). Collection method: clinical testing. Allele origin: germline.
Comment: This sequence change replaces proline, which is neutral and non-polar, with alanine, which is neutral and non-polar, at codon 308 of the RIN2 protein (p.Pro308Ala). This variant is present in population databases (rs61743185, gnomAD 0.04%). This variant has not been reported in the literature in individuals affected with RIN2-related conditions. ClinVar contains an entry for this variant (Variation ID: 1303295). Algorithms developed to predict the effect of missense changes on protein structure and function are either unavailable or do not agree on the potential impact of this missense change (SIFT: "Deleterious"; PolyPhen-2: "Not Available"; Align-GVGD: "Class C0"). In summary, the available evidence is currently insufficient to determine the role of this variant in disease. Therefore, it has been classified as a Variant of Uncertain Significance.

GeneDx
Classification: Uncertain significance. Last evaluated: 2022-02-17. Review status: criteria provided, single submitter. Criteria: GeneDx Variant Classification Process June 2021. Collection method: clinical testing. Allele origin: germline. Affected: yes.
Comment: Has not been previously published as pathogenic or benign to our knowledge; In silico analysis supports that this missense variant has a deleterious effect on protein structure/function

NM_018993.4(RIN2):c.922C>G (p.Pro308Ala)

Gene: RIN2 (Ras and Rab interactor 2; plus strand). Cytogenetic location: 20p11.23.
Variant type: single nucleotide variant.
Coding change: c.922C>G on transcript NM_018993.4 (MANE Select); coding-DNA position 922, C replaced by G.
Protein change: p.Pro308Ala; replaces proline 308 with alanine.
Molecular consequence: missense variant.
Genome position (GRCh38, 1-based): chr20:19,974,947, C>G. VCF-style: chr20-19974947-C-G. GRCh37 (hg19) VCF-style: chr20-19955591-C-G.
Other names: c.1069C>G, p.Pro357Ala (NM_001242581.2); c.304C>G, p.Pro102Ala (NM_001378238.1); short protein forms P102A, P308A, P357A.
Identifiers: ClinVar variation 1303295 (VCV001303295.10), dbSNP rs61743185, ClinGen allele CA9779970.
Genomic context (GRCh38, chr20:19,974,947, plus strand): 5'-CTGAAACGGCCGAGCACAAGGACTCCCAACGCGAATGGCACGGAGCGGACTCGGTCCCCC[C>G]CACCCAGGCCCCCGCCACCCGCTATTAATAGTCTCCACACAAGCCCTCGGCTGGCCAGGA-3'
Protein context (NP_061866.1, residues 298-318): ANGTERTRSP[Pro308Ala]PRPPPPAINS